The following is an entry in ClinVar:

ClinVar aggregate classification (germline): Uncertain significance. Review status: reviewed by expert panel (3 of 4 stars). 3 submissions from 3 submitters: Uncertain significance (1). 2 of the submissions do not count toward it. Last evaluated 2024-10-22.

Conditions:
DICER1-related tumor predisposition. Also called: DICER1-related pleuropulmonary blastoma cancer predisposition syndrome; DICER1 syndrome. Identifiers: Orphanet 284343, MedGen C3839822, MONDO:0100216.
Hereditary cancer-predisposing syndrome. Also called: Neoplastic Syndromes, Hereditary; Hereditary Cancer Syndrome; Hereditary neoplastic syndrome; Tumor predisposition. Identifiers: Orphanet 140162, MedGen C0027672, MeSH D009386, MONDO:0015356.

Allele frequency attached by ClinVar (database versions not stated): gnomAD exomes below 0.00001.
gnomAD v4.1: 1 of 1,614,172 alleles (0.000062%); highest among the groups gnomAD compares: Non-Finnish European, 0.000085%; no homozygotes.

Submissions (3):

ClinGen DICER1 and miRNA-Processing Gene Variant Curation Expert Panel, ClinGen
Classification: Uncertain significance for DICER1-related tumor predisposition. Last evaluated: 2024-10-22. Review status: reviewed by expert panel. Criteria: ClinGen DICER1 ACMG Specifications DICER1 V1.3.0. Collection method: curation. Allele origin: germline. Inheritance: Autosomal dominant inheritance.
Comment: The NM_177438.3:c.4478C>T variant in DICER1 is a missense variant predicted to cause substitution of proline by leucine at amino acid 1493. This variant has an allele frequency of 0.0000006195 (1/1614172 alleles) across gnomAD v4.1.0 with no more than one allele in any subpopulation, which is lower than the ClinGen DICER1 VCEP threshold (<0.000005) for PM2_Supporting, and therefore meets this criterion (PM2_Supporting). In silico tools predict no damaging impact of the variant on protein function (REVEL: 0.111; MaxEntScan and SpliceAI: no effect on splicing) (BP4). In summary, this variant meets the criteria to be classified as uncertain significance for DICER1-related tumor predisposition based on the ACMG/AMP criteria applied, as specified by the ClinGen DICER1 VCEP: PM2_Supporting, BP4 (Bayesian Points: 0, VCEP specifications version 1.3.0; 10/22/2024).

Ambry Genetics
Classification: Uncertain significance for Hereditary cancer-predisposing syndrome. Last evaluated: 2024-11-08. Review status: criteria provided, single submitter. Criteria: Ambry Variant Classification Scheme 2023. Collection method: clinical testing. Allele origin: germline. Not counted in ClinVar's aggregate classification.
Comment: The p.P1493L variant (also known as c.4478C>T), located in coding exon 22 of the DICER1 gene, results from a C to T substitution at nucleotide position 4478. The proline at codon 1493 is replaced by leucine, an amino acid with similar properties. This amino acid position is well conserved in available vertebrate species. In addition, the in silico prediction for this alteration is inconclusive. Based on the available evidence, the clinical significance of this variant remains unclear.

Labcorp Genetics (formerly Invitae), Labcorp
Classification: Uncertain significance for DICER1-related tumor predisposition. Last evaluated: 2022-06-22. Review status: criteria provided, single submitter. Criteria: Invitae Variant Classification Sherloc (09022015). Collection method: clinical testing. Allele origin: germline. Not counted in ClinVar's aggregate classification.
Comment: In summary, the available evidence is currently insufficient to determine the role of this variant in disease. Therefore, it has been classified as a Variant of Uncertain Significance. Algorithms developed to predict the effect of missense changes on protein structure and function (SIFT, PolyPhen-2, Align-GVGD) all suggest that this variant is likely to be tolerated. ClinVar contains an entry for this variant (Variation ID: 824918). This variant has not been reported in the literature in individuals affected with DICER1-related conditions. This variant is not present in population databases (gnomAD no frequency). This sequence change replaces proline, which is neutral and non-polar, with leucine, which is neutral and non-polar, at codon 1493 of the DICER1 protein (p.Pro1493Leu).

NM_177438.3(DICER1):c.4478C>T (p.Pro1493Leu)

Gene: DICER1 (dicer 1, ribonuclease III; minus strand). Cytogenetic location: 14q32.13.
Variant type: single nucleotide variant.
Coding change: c.4478C>T on transcript NM_177438.3 (MANE Select); coding-DNA position 4478, C replaced by T.
Protein change: p.Pro1493Leu; replaces proline 1493 with leucine.
Molecular consequence: missense variant.
Genome position (GRCh38, 1-based): chr14:95,096,442, G>A on the plus strand (C>T on the coding strand, the complement: DICER1 is on the minus strand). VCF-style: chr14-95096442-G-A. GRCh37 (hg19) VCF-style: chr14-95562779-G-A.
Other names: NM_177438.3(DICER1):c.4478C>T; p.Pro1493Leu; c.4478C>T, p.Pro1493Leu (NM_001195573.1, NM_001271282.3, NM_001291628.2 and 1 more transcripts); short protein forms P1493L.
Identifiers: ClinVar variation 824918 (VCV000824918.12), dbSNP rs1595341247, ClinGen allele CA390868197.